The following is an entry in ClinVar:

NM_152564.5(VPS13B):c.7705G>A (p.Val2569Ile)

Gene: VPS13B (vacuolar protein sorting 13 homolog B; plus strand). Cytogenetic location: 8q22.2.
Variant type: single nucleotide variant.
Coding change: c.7705G>A on transcript NM_152564.5 (MANE Select); coding-DNA position 7705, G replaced by A.
Protein change: p.Val2569Ile; replaces valine 2569 with isoleucine.
Molecular consequence: missense variant.
Genome position (GRCh38, 1-based): chr8:99,778,957, G>A. VCF-style: chr8-99778957-G-A. GRCh37 (hg19) VCF-style: chr8-100791185-G-A.
Other names: c.7780G>A, p.Val2594Ile (NM_017890.5); short protein forms V2594I, V2569I.
Identifiers: ClinVar variation 862556 (VCV000862556.5), dbSNP rs780461877, ClinGen allele CA4824275.
Genomic context (GRCh38, chr8:99,778,957, plus strand): 5'-TTCGGGCAGATGGCAGTTTCCAGCGATGTAGTGGAAAAGCTGCTTGACTGCACCGTGATA[G>A]TTGATTCTGTATTTGTAAACCTTGGACAGCATGTAGTCCATTCACTAAACACTGCAATAC-3'
Protein context (NP_689777.3, residues 2559-2579): VEKLLDCTVI[Val2569Ile]DSVFVNLGQH

ClinVar aggregate classification (germline): Uncertain significance. Review status: criteria provided, single submitter (1 of 4 stars). 2 submissions from 2 submitters: Uncertain significance (1). 1 of the submissions does not count toward it. Last evaluated 2022-03-31.

Conditions:
Cohen syndrome (COH1). Also called: PEPPER SYNDROME; Cutis verticis gyrata, retinitis pigmentosa, and sensorineural deafness. Identifiers: Orphanet 193, MedGen C0265223, MONDO:0008999, OMIM 216550.

Allele frequency attached by ClinVar (database versions not stated): gnomAD exomes below 0.00001; ExAC 0.00001; gnomAD 0.00001.
gnomAD v4.1: 3 of 1,613,862 alleles (0.00019%); highest among the groups gnomAD compares: Non-Finnish European, 0.00025%; no homozygotes.

Submissions (2):

Labcorp Genetics (formerly Invitae), Labcorp
Classification: Uncertain significance for Cohen syndrome. Last evaluated: 2022-03-31. Review status: criteria provided, single submitter. Criteria: Invitae Variant Classification Sherloc (09022015). Collection method: clinical testing. Allele origin: germline.
Comment: This sequence change replaces valine, which is neutral and non-polar, with isoleucine, which is neutral and non-polar, at codon 2594 of the VPS13B protein (p.Val2594Ile). This variant is not present in population databases (gnomAD no frequency). This variant has not been reported in the literature in individuals affected with VPS13B-related conditions. ClinVar contains an entry for this variant (Variation ID: 862556). Algorithms developed to predict the effect of missense changes on protein structure and function output the following: SIFT: "Not Available"; PolyPhen-2: "Benign"; Align-GVGD: "Not Available". The isoleucine amino acid residue is found in multiple mammalian species, which suggests that this missense change does not adversely affect protein function. In summary, the available evidence is currently insufficient to determine the role of this variant in disease. Therefore, it has been classified as a Variant of Uncertain Significance.

Natera, Inc.
Classification: Uncertain significance for Cohen syndrome. Last evaluated: 2020-01-10. Review status: no assertion criteria provided. Collection method: clinical testing. Allele origin: germline. Not counted in ClinVar's aggregate classification.